The following is an entry in ClinVar:

NM_002979.5(SCP2):c.1342G>A (p.Gly448Arg)

Gene: SCP2 (sterol carrier protein 2; plus strand). Cytogenetic location: 1p32.3.
Variant type: single nucleotide variant.
Coding change: c.1342G>A on transcript NM_002979.5 (MANE Select); coding-DNA position 1342, G replaced by A.
Protein change: p.Gly448Arg; replaces glycine 448 with arginine.
Molecular consequence: missense variant. On other transcripts: intron variant (1).
Genome position (GRCh38, 1-based): chr1:53,038,920, G>A. VCF-style: chr1-53038920-G-A. GRCh37 (hg19) VCF-style: chr1-53504592-G-A.
Other names: c.130G>A, p.Gly44Arg (NM_001007099.3); c.121G>A, p.Gly41Arg (NM_001007100.3); c.1270G>A, p.Gly424Arg (NM_001193599.2); c.1210G>A, p.Gly404Arg (NM_001193600.2); c.1099G>A, p.Gly367Arg (NM_001193617.2); c.127-8938G>A (NM_001007250.3); short protein forms G367R, G404R, G41R, G424R, G448R, G44R.
Identifiers: ClinVar variation 1716855 (VCV001716855.5), dbSNP rs2525027612, ClinGen allele CA340379068.

ClinVar aggregate classification (germline): Uncertain significance (1 of 4 stars; one submission).

Submission:

Labcorp Genetics (formerly Invitae), Labcorp
Classification: Uncertain significance. Last evaluated: 2022-08-19. Review status: criteria provided, single submitter. Criteria: Invitae Variant Classification Sherloc (09022015). Collection method: clinical testing. Allele origin: germline.
Comment: This sequence change replaces glycine, which is neutral and non-polar, with arginine, which is basic and polar, at codon 448 of the SCP2 protein (p.Gly448Arg). This variant is not present in population databases (gnomAD no frequency). This variant has not been reported in the literature in individuals affected with SCP2-related conditions. Algorithms developed to predict the effect of missense changes on protein structure and function are either unavailable or do not agree on the potential impact of this missense change (SIFT: "Tolerated"; PolyPhen-2: "Probably Damaging"; Align-GVGD: "Class C0"). In summary, the available evidence is currently insufficient to determine the role of this variant in disease. Therefore, it has been classified as a Variant of Uncertain Significance.